The following is an entry in ClinVar:

NM_033026.6(PCLO):c.8780_8781insTGAA (p.Glu2927fs)

Gene: PCLO (piccolo presynaptic cytomatrix protein; minus strand). Cytogenetic location: 7q21.11.
Variant type: Insertion.
Coding change: c.8780_8781insTGAA on transcript NM_033026.6 (MANE Select); coding-DNA positions 8780 to 8781, TGAA inserted.
Protein change: p.Glu2927fs; shifts the reading frame from glutamic acid 2927.
Molecular consequence: frameshift variant.
Genome position: GRCh38 VCF-style: chr7-82952172-T-TTTCA. GRCh37 (hg19) VCF-style: chr7-82581488-T-TTTCA.
Other names: c.8780_8781insTGAA, p.Glu2927fs (NM_014510.3); short protein forms E2927fs.
Identifiers: ClinVar variation 2753685 (VCV002753685.3), dbSNP rs2535687368, ClinGen allele CA2697557348.

ClinVar aggregate classification (germline): Pathogenic (1 of 4 stars; one submission).

Submission:

Labcorp Genetics (formerly Invitae), Labcorp
Classification: Pathogenic. Last evaluated: 2023-08-18. Review status: criteria provided, single submitter. Criteria: Invitae Variant Classification Sherloc (09022015). Collection method: clinical testing. Allele origin: germline.
Comment: For these reasons, this variant has been classified as Pathogenic. This sequence change creates a premature translational stop signal (p.Glu2927Aspfs*6) in the PCLO gene. It is expected to result in an absent or disrupted protein product. Loss-of-function variants in PCLO are known to be pathogenic (PMID: 25832664, 30287594). This variant is not present in population databases (gnomAD no frequency). This variant has not been reported in the literature in individuals affected with PCLO-related conditions.

Literature cited by the submitters: PubMed 25832664; PubMed 30287594.